The following is an entry in ClinVar:

ClinVar aggregate classification (germline): Uncertain significance. Review status: criteria provided, multiple submitters, no conflicts (2 of 4 stars). 4 submissions from 4 submitters: Uncertain significance (4). Last evaluated 2026-08-06.

Conditions:
Cutis laxa with severe pulmonary, gastrointestinal and urinary anomalies. Also called: LTBP4-Related Cutis Laxa; URBAN-RIFKIN-DAVIS SYNDROME; Cutis laxa, autosomal recessive, type IC. Identifiers: Orphanet 221145, MedGen C2750804, MONDO:0013170, OMIM 613177. Disease mechanism: loss of function.
Inborn genetic diseases. Identifiers: MedGen C0950123, MeSH D030342.

Allele frequency attached by ClinVar (database versions not stated): gnomAD exomes below 0.00001 and 0.00002; TOPMed 0.00001.
gnomAD v4.1: 31 of 1,606,490 alleles (0.0019%); highest among the groups gnomAD compares: Non-Finnish European, 0.0025%; no homozygotes.

Submissions (4):

OLLIN Analises Genomicas, OLLIN
Classification: Uncertain significance for Cutis laxa with severe pulmonary, gastrointestinal and urinary anomalies. Last evaluated: 2026-08-06. Review status: criteria provided, single submitter. Criteria: ACMG Guidelines 2015 PMID 25741868. Collection method: clinical testing. Allele origin: germline. Inheritance: Autosomal recessive inheritance.
Comment: This missense variant, located in exon 17 (of 30), has been reported in ClinVar (accession VCV001300893.7) and in gnomAD with an allele frequency of 0.0019%. However, to our knowledge, it has not been reported in the scientific literature. In silico analysis predicts that this variant has a deleterious effect. According to the currently available evidence, this variant has been classified as uncertain significance (PM2_P, PP3_M).

Ambry Genetics
Classification: Uncertain significance for Inborn genetic diseases. Last evaluated: 2025-11-20. Review status: criteria provided, single submitter. Criteria: Ambry Variant Classification Scheme 2023. Collection method: clinical testing. Allele origin: germline.

Labcorp Genetics (formerly Invitae), Labcorp
Classification: Uncertain significance. Last evaluated: 2023-07-07. Review status: criteria provided, single submitter. Criteria: Invitae Variant Classification Sherloc (09022015). Collection method: clinical testing. Allele origin: germline.
Comment: In summary, the available evidence is currently insufficient to determine the role of this variant in disease. Therefore, it has been classified as a Variant of Uncertain Significance. Algorithms developed to predict the effect of sequence changes on RNA splicing suggest that this variant may create or strengthen a splice site. Experimental studies and prediction algorithms are not available or were not evaluated, and the functional significance of this variant is currently unknown. ClinVar contains an entry for this variant (Variation ID: 1300893). This variant has not been reported in the literature in individuals affected with LTBP4-related conditions. This variant is present in population databases (rs779911975, gnomAD 0.01%). This sequence change replaces aspartic acid, which is acidic and polar, with glutamic acid, which is acidic and polar, at codon 841 of the LTBP4 protein (p.Asp841Glu).

GeneDx
Classification: Uncertain significance. Last evaluated: 2021-09-09. Review status: criteria provided, single submitter. Criteria: GeneDx Variant Classification Process June 2021. Collection method: clinical testing. Allele origin: germline. Affected: yes.
Comment: Has not been previously published as pathogenic or benign to our knowledge; Not observed at significant frequency in large population cohorts (Lek et al., 2016); In silico analysis supports that this missense variant has a deleterious effect on protein structure/function

NM_001042545.2(LTBP4):c.2433C>G (p.Asp811Glu)

Gene: LTBP4 (latent transforming growth factor beta binding protein 4; plus strand). Cytogenetic location: 19q13.2.
Variant type: single nucleotide variant.
Coding change: c.2433C>G on transcript NM_001042545.2 (MANE Select); coding-DNA position 2433, C replaced by G.
Protein change: p.Asp811Glu; replaces aspartic acid 811 with glutamic acid.
Molecular consequence: missense variant.
Genome position (GRCh38, 1-based): chr19:40,613,405, C>G. VCF-style: chr19-40613405-C-G. GRCh37 (hg19) VCF-style: chr19-41119311-C-G.
Other names: c.2634C>G, p.Asp878Glu (NM_001042544.1); c.2523C>G, p.Asp841Glu (NM_003573.2); short protein forms D811E, D841E, D878E.
Identifiers: ClinVar variation 1300893 (VCV001300893.8), dbSNP rs779911975, ClinGen allele CA308454266.